The following is an entry in ClinVar:

ClinVar aggregate classification (germline): Uncertain significance. Review status: criteria provided, multiple submitters, no conflicts (2 of 4 stars). 2 submissions from 2 submitters: Uncertain significance (2). Last evaluated 2021-08-20.

Conditions:
Type 2 diabetes mellitus. Also called: Type II diabetes mellitus. Identifiers: MedGen C0011860, MeSH D003924, MONDO:0005148, OMIM 125853, HP:0005978.
Hypoinsulinemic hypoglycemia and body hemihypertrophy. Also called: Hypoinsulinemic hypoglycemia and hemihypertrophy. Identifiers: Orphanet 293964, MedGen C3278384, MONDO:0009416, OMIM 240900.

Allele frequency attached by ClinVar (database versions not stated): gnomAD 0.00001; gnomAD exomes 0.00001; TOPMed 0.00002.

Submissions (2):

Labcorp Genetics (formerly Invitae), Labcorp
Classification: Uncertain significance for Hypoinsulinemic hypoglycemia and body hemihypertrophy; Type 2 diabetes mellitus. Last evaluated: 2021-08-20. Review status: criteria provided, single submitter. Criteria: Invitae Variant Classification Sherloc (09022015). Collection method: clinical testing. Allele origin: germline.
Comment: This sequence change replaces arginine with tryptophan at codon 113 of the AKT2 protein (p.Arg113Trp). The arginine residue is moderately conserved and there is a moderate physicochemical difference between arginine and tryptophan. This variant is not present in population databases (ExAC no frequency). This variant has not been reported in the literature in individuals affected with AKT2-related conditions. Algorithms developed to predict the effect of missense changes on protein structure and function (SIFT, PolyPhen-2, Align-GVGD) all suggest that this variant is likely to be disruptive. In summary, the available evidence is currently insufficient to determine the role of this variant in disease. Therefore, it has been classified as a Variant of Uncertain Significance.

Breakthrough Genomics
Classification: Uncertain significance. Review status: criteria provided, single submitter. Criteria: ACMG Guidelines, 2015. Collection method: not provided. Allele origin: germline. Inheritance: Autosomal dominant inheritance. Affected: yes.

NM_001626.6(AKT2):c.337C>T (p.Arg113Trp)

Gene: AKT2 (AKT serine/threonine kinase 2; minus strand). Cytogenetic location: 19q13.2.
Variant type: single nucleotide variant.
Coding change: c.337C>T on transcript NM_001626.6 (MANE Select); coding-DNA position 337, C replaced by T.
Protein change: p.Arg113Trp; replaces arginine 113 with tryptophan.
Molecular consequence: missense variant.
Genome position (GRCh38, 1-based): chr19:40,242,638, G>A on the plus strand (C>T on the coding strand, the complement: AKT2 is on the minus strand). VCF-style: chr19-40242638-G-A. GRCh37 (hg19) VCF-style: chr19-40748545-G-A.
Other names: c.151C>T, p.Arg51Trp (NM_001243027.3, NM_001243028.3); c.337C>T, p.Arg113Trp (NM_001330511.1); short protein forms R113W, R51W.
Identifiers: ClinVar variation 1357018 (VCV001357018.6), dbSNP rs1054914884, ClinGen allele CA308381804.